The following is an entry in ClinVar:

NM_001378454.1(ALMS1):c.159G>C (p.Glu53Asp)

Gene: ALMS1 (ALMS1 centrosome and basal body associated protein; plus strand). Cytogenetic location: 2p13.1.
Variant type: single nucleotide variant.
Coding change: c.159G>C on transcript NM_001378454.1 (MANE Select); coding-DNA position 159, G replaced by C.
Protein change: p.Glu53Asp; replaces glutamic acid 53 with aspartic acid.
Molecular consequence: missense variant.
Genome position (GRCh38, 1-based): chr2:73,386,027, G>C. VCF-style: chr2-73386027-G-C. GRCh37 (hg19) VCF-style: chr2-73613155-G-C.
Other names: c.162G>C, p.Glu54Asp (NM_015120.4); short protein forms E53D, E54D.
Identifiers: ClinVar variation 1448285 (VCV001448285.7), dbSNP rs1245177160, ClinGen allele CA347250727.

ClinVar aggregate classification (germline): Uncertain significance (1 of 4 stars; one submission).

Conditions:
Alstrom syndrome (ALMS). Identifiers: Orphanet 64, MedGen C0268425, MONDO:0008763, OMIM 203800.

Allele frequency attached by ClinVar (database versions not stated): gnomAD 0.00001; TOPMed 0.00001.
gnomAD v4.1: 2 of 1,556,504 alleles (0.00013%); highest among the groups gnomAD compares: Non-Finnish European, 0.00017%; no homozygotes.

Submission:

Labcorp Genetics (formerly Invitae), Labcorp
Classification: Uncertain significance for Alstrom syndrome. Last evaluated: 2024-04-03. Review status: criteria provided, single submitter. Criteria: Invitae Variant Classification Sherloc (09022015). Collection method: clinical testing. Allele origin: germline.
Comment: This sequence change replaces glutamic acid, which is acidic and polar, with aspartic acid, which is acidic and polar, at codon 54 of the ALMS1 protein (p.Glu54Asp). This variant is not present in population databases (gnomAD no frequency). This variant has not been reported in the literature in individuals affected with ALMS1-related conditions. ClinVar contains an entry for this variant (Variation ID: 1448285). Experimental studies and prediction algorithms are not available or were not evaluated, and the functional significance of this variant is currently unknown. In summary, the available evidence is currently insufficient to determine the role of this variant in disease. Therefore, it has been classified as a Variant of Uncertain Significance.